The following is an entry in ClinVar:

ClinVar aggregate classification (germline): Pathogenic (1 of 4 stars; one submission).

Submission:

Labcorp Genetics (formerly Invitae), Labcorp
Classification: Pathogenic. Last evaluated: 2022-07-08. Review status: criteria provided, single submitter. Criteria: Invitae Variant Classification Sherloc (09022015). Collection method: clinical testing. Allele origin: germline.
Comment: This sequence change creates a premature translational stop signal (p.Tyr421*) in the RUNX2 gene. While this is not anticipated to result in nonsense mediated decay, it is expected to disrupt the last 101 amino acid(s) of the RUNX2 protein. This variant is not present in population databases (gnomAD no frequency). This premature translational stop signal has been observed in individual(s) with cleidocranial dysplasia (Invitae). This variant disrupts a region of the RUNX2 protein in which other variant(s) (p.Gly462*) have been determined to be pathogenic (PMID: 28703881; Invitae). This suggests that this is a clinically significant region of the protein, and that variants that disrupt it are likely to be disease-causing. For these reasons, this variant has been classified as Pathogenic.

Literature cited by the submitters: PubMed 28703881.

NM_001024630.4(RUNX2):c.1263C>A (p.Tyr421Ter)

Gene: RUNX2 (RUNX family transcription factor 2; plus strand). Cytogenetic location: 6p21.1.
Variant type: single nucleotide variant.
Coding change: c.1263C>A on transcript NM_001024630.4 (MANE Select); coding-DNA position 1263, C replaced by A.
Protein change: p.Tyr421Ter; replaces tyrosine 421 with a stop codon.
Molecular consequence: nonsense.
Genome position (GRCh38, 1-based): chr6:45,547,002, C>A. VCF-style: chr6-45547002-C-A. GRCh37 (hg19) VCF-style: chr6-45514739-C-A.
Other names: c.1197C>A, p.Tyr399Ter (NM_001015051.4); c.1155C>A, p.Tyr385Ter (NM_001278478.2); c.1221C>A, p.Tyr407Ter (NM_001369405.1, NM_004348.3); short protein forms Y385*, Y399*, Y407*, Y421*.
Identifiers: ClinVar variation 2015142 (VCV002015142.4), dbSNP rs2481024807, ClinGen allele CA363956849.
Genomic context (GRCh38, chr6:45,547,002, plus strand): 5'-CCCGCCAGTCACCTCAGGCATGTCCCTCGGTATGTCCGCCACCACTCACTACCACACCTA[C>A]CTGCCACCACCCTACCCCGGCTCTTCCCAAAGCCAGAGTGGACCCTTCCAGACCAGCAGC-3'